The following is an entry in ClinVar:

NM_016038.4(SBDS):c.199A>G (p.Lys67Glu)

Gene: SBDS (SBDS ribosome maturation factor; minus strand). Cytogenetic location: 7q11.21.
Variant type: single nucleotide variant.
Coding change: c.199A>G on transcript NM_016038.4 (MANE Select); coding-DNA position 199, A replaced by G.
Protein change: p.Lys67Glu; replaces lysine 67 with glutamic acid.
Molecular consequence: missense variant.
Genome position (GRCh38, 1-based): chr7:66,994,271, T>C on the plus strand (A>G on the coding strand, the complement: SBDS is on the minus strand). VCF-style: chr7-66994271-T-C. GRCh37 (hg19) VCF-style: chr7-66459258-T-C.
Other names: NM_016038.2:c.199A>G(p.Lys67Glu); short protein forms K67E.
Identifiers: ClinVar variation 549500 (VCV000549500.1), dbSNP rs1554341499, ClinGen allele CA367652255.

ClinVar aggregate classification (germline): Uncertain significance (1 of 4 stars; one submission).

Conditions:
Shwachman-Diamond syndrome 1 (SDS1). Also called: LIPOMATOSIS OF PANCREAS, CONGENITAL. Identifiers: MedGen C4692625, MONDO:0044204, OMIM 260400.

Allele frequency attached by ClinVar (database versions not stated): gnomAD exomes below 0.00001.

Submission:

SIB Swiss Institute of Bioinformatics
Classification: Uncertain significance for Shwachman-Diamond syndrome 1. Last evaluated: 2018-04-16. Review status: criteria provided, single submitter. Criteria: ACMG Guidelines, 2015. Collection method: curation. Allele origin: germline.
Comment: This variant is interpreted as a Uncertain Significance, for Shwachman-Diamond syndrome, Autosomal Recessive inheritance. The following ACMG Tag(s) were applied: PM2 => Absent from controls (or at extremely low frequency if recessive) in Exome Sequencing Project, 1000 Genomes Project, or Exome Aggregation Consortium.

Literature cited by the submitters: PubMed 12496757.